The following is an entry in ClinVar:

ClinVar aggregate classification (germline): Uncertain significance. Review status: criteria provided, multiple submitters, no conflicts (2 of 4 stars). 2 submissions from 2 submitters: Uncertain significance (2). Last evaluated 2025-03-05.

Conditions:
Cardiovascular phenotype. Identifiers: MedGen CN230736.
Short QT syndrome type 3. Identifiers: Orphanet 51083, MedGen C1865018, MONDO:0012314, OMIM 609622.
Andersen Tawil syndrome (LQT7). Also called: Andersen Syndrome; Potassium-sensitive periodic paralysis, ventricular ectopy, and dysmorphic features; LONG QT SYNDROME 7; PERIODIC PARALYSIS, POTASSIUM-SENSITIVE CARDIODYSRHYTHMIC TYPE; ANDERSEN CARDIODYSRHYTHMIC PERIODIC PARALYSIS. Identifiers: Orphanet 37553, MedGen C1563715, MONDO:0008222, OMIM 170390.

Allele frequency attached by ClinVar (database versions not stated): gnomAD exomes below 0.00001; TOPMed below 0.00001.

Submissions (2):

Labcorp Genetics (formerly Invitae), Labcorp
Classification: Uncertain significance for Short QT syndrome type 3; Andersen Tawil syndrome. Last evaluated: 2025-03-05. Review status: criteria provided, single submitter. Criteria: Invitae Variant Classification Sherloc (09022015). Collection method: clinical testing. Allele origin: germline.
Comment: This sequence change replaces threonine, which is neutral and polar, with proline, which is neutral and non-polar, at codon 383 of the KCNJ2 protein (p.Thr383Pro). This variant is not present in population databases (gnomAD no frequency). This variant has not been reported in the literature in individuals affected with KCNJ2-related conditions. ClinVar contains an entry for this variant (Variation ID: 2586798). Invitae Evidence Modeling of protein sequence and biophysical properties (such as structural, functional, and spatial information, amino acid conservation, physicochemical variation, residue mobility, and thermodynamic stability) indicates that this missense variant is not expected to disrupt KCNJ2 protein function with a negative predictive value of 95%. In summary, the available evidence is currently insufficient to determine the role of this variant in disease. Therefore, it has been classified as a Variant of Uncertain Significance.

Ambry Genetics
Classification: Uncertain significance for Cardiovascular phenotype. Last evaluated: 2023-08-25. Review status: criteria provided, single submitter. Criteria: Ambry Variant Classification Scheme 2023. Collection method: clinical testing. Allele origin: germline.
Comment: The p.T383P variant (also known as c.1147A>C), located in coding exon 1 of the KCNJ2 gene, results from an A to C substitution at nucleotide position 1147. The threonine at codon 383 is replaced by proline, an amino acid with highly similar properties. This amino acid position is not well conserved in available vertebrate species. In addition, the in silico prediction for this alteration is inconclusive. Since supporting evidence is limited at this time, the clinical significance of this alteration remains unclear.

NM_000891.3(KCNJ2):c.1147A>C (p.Thr383Pro)

Gene: KCNJ2 (potassium inwardly rectifying channel subfamily J member 2; plus strand). Cytogenetic location: 17q24.3.
Variant type: single nucleotide variant.
Coding change: c.1147A>C on transcript NM_000891.3 (MANE Select); coding-DNA position 1147, A replaced by C.
Protein change: p.Thr383Pro; replaces threonine 383 with proline.
Molecular consequence: missense variant.
Genome position (GRCh38, 1-based): chr17:70,176,186, A>C. VCF-style: chr17-70176186-A-C. GRCh37 (hg19) VCF-style: chr17-68172327-A-C.
Other names: short protein forms T383P.
Identifiers: ClinVar variation 2586798 (VCV002586798.3), dbSNP rs1795744560, ClinGen allele CA400863718.